The following is an entry in ClinVar:

NC_000021.9:g.43403691A>C

Gene: SIK1 (salt inducible kinase 1; minus strand). Cytogenetic location: 21q22.3.
Variant type: single nucleotide variant.
Genome position: GRCh38 VCF-style: chr21-43403691-A-C. GRCh37 (hg19) VCF-style: chr21-44823571-A-C.
Identifiers: ClinVar variation 2652718 (VCV002652718.24), dbSNP rs558953949, ClinGen allele CA321320083.
Genomic context (GRCh38, chr21:43,403,691, plus strand): 5'-CATCCTTGGTGCCAACCCTACACCTGGGAGCCACAAACGCCTCTTGGATCCCAAGCCTCC[A>C]GGCAGGGTGGTTCTGAGCGGGGTAGCATCTCCCAAGCCCTGGCCAGCCCCGAACCCCCTG-3'

ClinVar aggregate classification (germline): Likely benign (1 of 4 stars; one submission).

Allele frequency attached by ClinVar (database versions not stated): 1000 Genomes Project 0.00020.

Submission:

CeGaT Center for Human Genetics Tuebingen
Classification: Likely benign. Last evaluated: 2023-05-01. Review status: criteria provided, single submitter. Criteria: CeGaT Center For Human Genetics Tuebingen Variant Classification Criteria Version 2. Collection method: clinical testing. Allele origin: germline. Affected: yes. Observed: 1 variant allele.
Comment: SIK1: BS2